The following is an entry in ClinVar:

ClinVar aggregate classification (germline): Uncertain significance (1 of 4 stars; one submission).

Conditions:
Long QT syndrome (LQTS). Identifiers: MedGen C0023976, MeSH D008133, MONDO:0002442. Disease mechanism: loss of function. Inheritance: Various modes of inheritance.

Submission:

Labcorp Genetics (formerly Invitae), Labcorp
Classification: Uncertain significance for Long QT syndrome. Last evaluated: 2025-01-01. Review status: criteria provided, single submitter. Criteria: Invitae Variant Classification Sherloc (09022015). Collection method: clinical testing. Allele origin: germline.
Comment: This sequence change replaces glutamic acid, which is acidic and polar, with aspartic acid, which is acidic and polar, at codon 2272 of the ANK2 protein (p.Glu2272Asp). This variant is not present in population databases (gnomAD no frequency). This variant has not been reported in the literature in individuals affected with ANK2-related conditions. An algorithm developed to predict the effect of missense changes on protein structure and function outputs the following: PolyPhen-2: "Benign". The aspartic acid amino acid residue is found in multiple mammalian species, which suggests that this missense change does not adversely affect protein function. In summary, the available evidence is currently insufficient to determine the role of this variant in disease. Therefore, it has been classified as a Variant of Uncertain Significance.

NM_001148.6(ANK2):c.6816A>T (p.Glu2272Asp)

Genes: ANK2 (ankyrin 2; plus strand), LOC126807137 (CDK7 strongly-dependent group 2 enhancer GRCh37_chr4:114276560-114277759; plus strand). Cytogenetic location: 4q26.
Variant type: single nucleotide variant.
Coding change: c.6816A>T on transcript NM_001148.6 (MANE Select); coding-DNA position 6816, A replaced by T.
Protein change: p.Glu2272Asp; replaces glutamic acid 2272 with aspartic acid.
Molecular consequence: missense variant. On other transcripts: intron variant (68).
Genome position (GRCh38, 1-based): chr4:113,355,434, A>T. VCF-style: chr4-113355434-A-T. GRCh37 (hg19) VCF-style: chr4-114276590-A-T.
Other names: c.6582A>T, p.Glu2194Asp (NM_001386142.1); c.3216A>T, p.Glu1072Asp (NM_001386166.1); c.6957A>T, p.Glu2319Asp (NM_001386174.1); c.6933A>T, p.Glu2311Asp (NM_001386175.1); c.4411+5185A>T (NM_001386186.2, NM_001386148.2); c.4213+5185A>T (NM_001354269.3); c.4291+5185A>T (NM_001386187.2); c.4252+5185A>T (NM_001386147.1); and 35 more; short protein forms E2319D, E2272D, E1072D, E2194D, E2311D.
Identifiers: ClinVar variation 3672823 (VCV003672823.2).